The following is an entry in ClinVar:

NM_000428.3(LTBP2):c.3815G>A (p.Gly1272Asp)

Gene: LTBP2 (latent transforming growth factor beta binding protein 2; minus strand). Cytogenetic location: 14q24.3.
Variant type: single nucleotide variant.
Coding change: c.3815G>A on transcript NM_000428.3 (MANE Select); coding-DNA position 3815, G replaced by A.
Protein change: p.Gly1272Asp; replaces glycine 1272 with aspartic acid.
Molecular consequence: missense variant.
Genome position (GRCh38, 1-based): chr14:74,507,271, C>T on the plus strand (G>A on the coding strand, the complement: LTBP2 is on the minus strand). VCF-style: chr14-74507271-C-T. GRCh37 (hg19) VCF-style: chr14-74973974-C-T.
Other names: short protein forms G1272D.
Identifiers: ClinVar variation 887816 (VCV000887816.11), dbSNP rs2087004341, ClinGen allele CA390387185.

ClinVar aggregate classification (germline): Uncertain significance. Review status: criteria provided, multiple submitters, no conflicts (2 of 4 stars). 3 submissions from 2 submitters: Uncertain significance (3). Last evaluated 2021-05-31.

Conditions:
Weill-Marchesani syndrome. Also called: WM Syndrome; Mesodermal dysmorphodystrophy congenital. Identifiers: Orphanet 3449, MedGen C0265313, MONDO:0018096.
Glaucoma 3, primary congenital, D. Identifiers: Orphanet 98976, MedGen C2751316, MONDO:0013122, OMIM 613086.

Allele frequency attached by ClinVar (database versions not stated): gnomAD exomes below 0.00001.
gnomAD v4.1: 8 of 1,614,196 alleles (0.0005%); highest among the groups gnomAD compares: Non-Finnish European, 0.00059%; no homozygotes.

Submissions (3):

Labcorp Genetics (formerly Invitae), Labcorp
Classification: Uncertain significance. Last evaluated: 2021-05-31. Review status: criteria provided, single submitter. Criteria: Invitae Variant Classification Sherloc (09022015). Collection method: clinical testing. Allele origin: germline.
Comment: In summary, the available evidence is currently insufficient to determine the role of this variant in disease. Therefore, it has been classified as a Variant of Uncertain Significance. Algorithms developed to predict the effect of missense changes on protein structure and function (SIFT, PolyPhen-2, Align-GVGD) all suggest that this variant is likely to be disruptive, but these predictions have not been confirmed by published functional studies and their clinical significance is uncertain. This variant has not been reported in the literature in individuals with LTBP2-related conditions. ClinVar contains an entry for this variant (Variation ID: 887816). This variant is not present in population databases (ExAC no frequency). This sequence change replaces glycine with aspartic acid at codon 1272 of the LTBP2 protein (p.Gly1272Asp). The glycine residue is highly conserved and there is a moderate physicochemical difference between glycine and aspartic acid.

Illumina Laboratory Services, Illumina
Classification: Uncertain significance for Weill-Marchesani syndrome. Last evaluated: 2018-01-13. Review status: criteria provided, single submitter. Criteria: ICSL Variant Classification Criteria 13 December 2019. Collection method: clinical testing. Allele origin: germline.

Illumina Laboratory Services, Illumina
Classification: Uncertain significance for Glaucoma 3, primary congenital, D. Last evaluated: 2018-01-13. Review status: criteria provided, single submitter. Criteria: ICSL Variant Classification Criteria 13 December 2019. Collection method: clinical testing. Allele origin: germline.